The following is an entry in ClinVar:

ClinVar aggregate classification (germline): Benign/Likely benign. Review status: criteria provided, multiple submitters, no conflicts (2 of 4 stars). 10 submissions from 10 submitters: Benign (1); Likely benign (7). 2 of the submissions do not count toward it. Last evaluated 2026-06-01.

Conditions:
Hyperekplexia 1 (STHE). Also called: HYPEREKPLEXIA 1, AUTOSOMAL DOMINANT; HYPEREKPLEXIA 1, AUTOSOMAL RECESSIVE; STARTLE DISEASE, FAMILIAL; STIFF-BABY SYNDROME; STIFF-MAN SYNDROME, CONGENITAL; STIFF-PERSON SYNDROME, CONGENITAL. Identifiers: Orphanet 3197, MedGen C4551954, MONDO:0007868, OMIM 149400.
Sulfite oxidase deficiency due to molybdenum cofactor deficiency type C. Also called: Molybdenum cofactor deficiency, complementation group C; Molybdenum cofactor deficiency C. Identifiers: Orphanet 308400, Orphanet 833, MedGen C1854990, MONDO:0014212, OMIM 615501.
Sulfite oxidase deficiency due to molybdenum cofactor deficiency type A. Also called: Molybdenum Cofactor Deficiency A; Molybdenum cofactor deficiency, complementation group A. Identifiers: Orphanet 308386, Orphanet 833, MedGen C1854988, MONDO:0009643, OMIM 252150.
GPHN-related disorder. Also called: GPHN-related condition.
Inborn genetic diseases. Identifiers: MedGen C0950123, MeSH D030342.

Allele frequency attached by ClinVar (database versions not stated): 1000 Genomes Project 30x 0.00484; 1000 Genomes Project 0.00499; ESP Exome Variant Server 0.00561; TOPMed 0.00564; gnomAD 0.00586 and 0.00589; ExAC 0.00646; gnomAD exomes 0.00653.
gnomAD v4.1: 11,266 of 1,608,422 alleles (0.7%); highest among the groups gnomAD compares: Middle Eastern, 1.9%; 59 homozygotes.

Submissions (10):

CeGaT Center for Human Genetics Tuebingen
Classification: Likely benign. Last evaluated: 2026-06-01. Review status: criteria provided, single submitter. Criteria: CeGaT Center For Human Genetics Tuebingen Variant Classification Criteria Version 2. Collection method: clinical testing. Allele origin: germline. Affected: yes. Observed: 18 variant alleles.
Comment: GPHN: BP4, BS2

Labcorp Genetics (formerly Invitae), Labcorp
Classification: Likely benign for Sulfite oxidase deficiency due to molybdenum cofactor deficiency type C. Last evaluated: 2026-02-02. Review status: criteria provided, single submitter. Criteria: Invitae Variant Classification Sherloc (09022015). Collection method: clinical testing. Allele origin: germline.

Mayo Clinic Laboratories, Mayo Clinic
Classification: Benign. Last evaluated: 2022-12-22. Review status: criteria provided, single submitter. Criteria: ACMG Guidelines, 2015. Collection method: clinical testing. Allele origin: germline. Observed: 3 variant alleles.
Comment: BS1, BS2, BP4

Ambry Genetics
Classification: Likely benign for Inborn genetic diseases. Last evaluated: 2022-04-08. Review status: criteria provided, single submitter. Criteria: Ambry Variant Classification Scheme 2023. Collection method: clinical testing. Allele origin: germline.

Fulgent Genetics
Classification: Likely benign for Hyperekplexia 1; Sulfite oxidase deficiency due to molybdenum cofactor deficiency type C. Last evaluated: 2021-10-13. Review status: criteria provided, single submitter. Criteria: ACMG Guidelines, 2015. Collection method: clinical testing. Allele origin: unknown.

GeneDx
Classification: Likely benign. Last evaluated: 2021-02-10. Review status: criteria provided, single submitter. Criteria: GeneDx Variant Classification Process June 2021. Collection method: clinical testing. Allele origin: germline. Affected: yes.

Genome Diagnostics Laboratory, University Medical Center Utrecht
Classification: Likely benign for Sulfite oxidase deficiency due to molybdenum cofactor deficiency type A. Last evaluated: 2015-08-31. Review status: criteria provided, single submitter. Criteria: ACGS Guidelines, 2013. Collection method: clinical testing. Allele origin: germline. Affected: yes. Study: VKGL Data-share Consensus.

Breakthrough Genomics
Classification: Likely benign. Review status: criteria provided, single submitter. Criteria: ACMG Guidelines, 2015. Collection method: not provided. Allele origin: germline. Inheritance: Autosomal recessive inheritance. Affected: yes.

PreventionGenetics, part of Exact Sciences
Classification: Benign for GPHN-related condition. Last evaluated: 2019-09-04. Review status: no assertion criteria provided. Collection method: clinical testing. Allele origin: germline. Not counted in ClinVar's aggregate classification.
Comment: This variant is classified as benign based on ACMG/AMP sequence variant interpretation guidelines (Richards et al. 2015 PMID: 25741868, with internal and published modifications).

Diagnostic Laboratory, Department of Genetics, University Medical Center Groningen
Classification: Likely benign for Sulfite oxidase deficiency due to molybdenum cofactor deficiency type A. Review status: no assertion criteria provided. Collection method: clinical testing. Allele origin: germline. Affected: yes. Study: VKGL Data-share Consensus. Not counted in ClinVar's aggregate classification.

NM_020806.5(GPHN):c.800A>G (p.Asn267Ser)

Gene: GPHN (gephyrin; plus strand). Cytogenetic location: 14q23.3.
Variant type: single nucleotide variant.
Coding change: c.800A>G on transcript NM_020806.5 (MANE Select); coding-DNA position 800, A replaced by G.
Protein change: p.Asn267Ser; replaces asparagine 267 with serine.
Molecular consequence: missense variant. On other transcripts: intron variant (7).
Genome position (GRCh38, 1-based): chr14:66,924,264, A>G. VCF-style: chr14-66924264-A-G. GRCh37 (hg19) VCF-style: chr14-67390981-A-G.
Other names: p.Asn267Ser; c.768+1326A>G (NM_001377514.1, NM_001377519.1); c.729+1326A>G (NM_001377515.1, NM_001377516.1, NM_001377518.1 and 2 more transcripts); short protein forms N267S.
Identifiers: ClinVar variation 466213 (VCV000466213.60), dbSNP rs41285470, ClinGen allele CA7233831.
Genomic context (GRCh38, chr14:66,924,264, plus strand): 5'-TCTACACCAGTCCTGCTGTTGTCATGGCACACGGTGAACAGCCCATCCCTGGTCTCATCA[A>G]TTATTCCCATCATTCAACAGATGAACGGGTAAGACAAGAGGCTTTTGCATTAATGGTTTT-3'
Protein context (NP_065857.1, residues 257-277): HGEQPIPGLI[Asn267Ser]YSHHSTDERI